The following is an entry in ClinVar:

NM_021620.4(PRDM13):c.1212C>G (p.His404Gln)

Gene: PRDM13 (PR/SET domain 13; plus strand). Cytogenetic location: 6q16.2.
Variant type: single nucleotide variant.
Coding change: c.1212C>G on transcript NM_021620.4 (MANE Select); coding-DNA position 1212, C replaced by G.
Protein change: p.His404Gln; replaces histidine 404 with glutamine.
Molecular consequence: missense variant.
Genome position (GRCh38, 1-based): chr6:99,613,847, C>G. VCF-style: chr6-99613847-C-G. GRCh37 (hg19) VCF-style: chr6-100061723-C-G.
Other names: short protein forms H404Q.
Identifiers: ClinVar variation 963798 (VCV000963798.9), dbSNP rs867568902, ClinGen allele CA365117940.

ClinVar aggregate classification (germline): Uncertain significance (1 of 4 stars; one submission).

Submission:

Labcorp Genetics (formerly Invitae), Labcorp
Classification: Uncertain significance. Last evaluated: 2019-10-13. Review status: criteria provided, single submitter. Criteria: Invitae Variant Classification Sherloc (09022015). Collection method: clinical testing. Allele origin: germline.
Comment: In summary, the available evidence is currently insufficient to determine the role of this variant in disease. Therefore, it has been classified as a Variant of Uncertain Significance. Algorithms developed to predict the effect of sequence changes on RNA splicing suggest that this variant may create or strengthen a splice site, but this prediction has not been confirmed by published transcriptional studies. Algorithms developed to predict the effect of missense changes on protein structure and function are either unavailable or do not agree on the potential impact of this missense change (SIFT: "Deleterious"; PolyPhen-2: "Probably Damaging"; Align-GVGD: "Class C15"). This variant has not been reported in the literature in individuals with PRDM13-related conditions. The frequency data for this variant in the population databases is considered unreliable, as metrics indicate insufficient coverage at this position in the ExAC database. This sequence change replaces histidine with glutamine at codon 404 of the PRDM13 protein (p.His404Gln). The histidine residue is highly conserved and there is a small physicochemical difference between histidine and glutamine.